The following is an entry in ClinVar:

ClinVar aggregate classification (germline): Conflicting classifications of pathogenicity. Review status: criteria provided, conflicting classifications (1 of 4 stars). 4 submissions from 4 submitters: Likely pathogenic (2); Uncertain significance (2). Last evaluated 2025-07-01.

Conditions:
Charcot-Marie-Tooth disease, type I (CMT1). Also called: Charcot-Marie-Tooth, Type 1; Charcot-Marie-Tooth disease type 1. Identifiers: Orphanet 65753, MedGen C0751036, MONDO:0019011.

Allele frequency attached by ClinVar (database versions not stated): gnomAD exomes below 0.00001; gnomAD 0.00001.

Submissions (4):

CeGaT Center for Human Genetics Tuebingen
Classification: Likely pathogenic. Last evaluated: 2025-07-01. Review status: criteria provided, single submitter. Criteria: CeGaT Center For Human Genetics Tuebingen Variant Classification Criteria Version 2. Collection method: clinical testing. Allele origin: germline. Affected: yes. Observed: 1 variant allele.
Comment: MPZ: PM1, PM2, PM5:Supporting, PP2

GeneDx
Classification: Likely pathogenic. Last evaluated: 2025-03-21. Review status: criteria provided, single submitter. Criteria: GeneDx Variant Classification Process June 2021. Collection method: clinical testing. Allele origin: germline. Affected: yes.
Comment: Observed in three members of one family with abnormal nerve conduction studies and pes cavus, suggestive of an adult-onset peripheral neuropathy; however, other genes were not investigated (PMID: 22691094); Observed in apparent homozygous state in a patient with Charcot-Marie-Tooth disease in the literature and not observed in homozygous state in controls; however, no further clinical information was provided about the patient or the parents (PMID: 34060689); Missense variants in this gene are a common cause of disease and they are underrepresented in the general population; Not observed at significant frequency in large population cohorts (gnomAD); In silico analysis supports that this missense variant has a deleterious effect on protein structure/function; This variant is associated with the following publications: (PMID: 29174527, 22691094, 31278453, 34060689, 26310628, 20461396)

Labcorp Genetics (formerly Invitae), Labcorp
Classification: Uncertain significance for Charcot-Marie-Tooth disease, type I. Last evaluated: 2023-12-11. Review status: criteria provided, single submitter. Criteria: Invitae Variant Classification Sherloc (09022015). Collection method: clinical testing. Allele origin: germline.
Comment: This sequence change replaces phenylalanine, which is neutral and non-polar, with leucine, which is neutral and non-polar, at codon 95 of the MPZ protein (p.Phe95Leu). This variant is present in population databases (no rsID available, gnomAD 0.007%). This missense change has been observed in individual(s) with clinical features of MPZ-related conditions (Invitae). Advanced modeling of protein sequence and biophysical properties (such as structural, functional, and spatial information, amino acid conservation, physicochemical variation, residue mobility, and thermodynamic stability) performed at Invitae indicates that this missense variant is expected to disrupt MPZ protein function with a positive predictive value of 80%. This variant disrupts the p.Phe95 amino acid residue in MPZ. Other variant(s) that disrupt this residue have been observed in individuals with MPZ-related conditions (PMID: 29174527; Invitae), which suggests that this may be a clinically significant amino acid residue. In summary, the available evidence is currently insufficient to determine the role of this variant in disease. Therefore, it has been classified as a Variant of Uncertain Significance.

Athena Diagnostics
Classification: Uncertain significance. Last evaluated: 2023-10-02. Review status: criteria provided, single submitter. Criteria: Athena Diagnostics Criteria. Collection method: clinical testing. Allele origin: unknown.
Comment: Available data are insufficient to determine the clinical significance of the variant at this time. The frequency of this variant in the general population is uninformative in assessment of its pathogenicity. This variant has been identified in at least one individual with clinical features associated with Charcot-Marie-Tooth disease. Computational tools predict that this variant is damaging. The variant is located in a region that is considered important for protein function and/or structure.

Literature cited by the submitters: PubMed 29174527 (cited by Labcorp Genetics (formerly Invitae), Labcorp); PubMed 34060689 (cited by Athena Diagnostics); PubMed 22691094 (cited by Athena Diagnostics).

NM_000530.8(MPZ):c.283T>C (p.Phe95Leu)

Gene: MPZ (myelin protein zero; minus strand). Cytogenetic location: 1q23.3.
Variant type: single nucleotide variant.
Coding change: c.283T>C on transcript NM_000530.8 (MANE Select); coding-DNA position 283, T replaced by C.
Protein change: p.Phe95Leu; replaces phenylalanine 95 with leucine.
Molecular consequence: missense variant.
Genome position (GRCh38, 1-based): chr1:161,306,873, A>G on the plus strand (T>C on the coding strand, the complement: MPZ is on the minus strand). VCF-style: chr1-161306873-A-G. GRCh37 (hg19) VCF-style: chr1-161276663-A-G.
Other names: c.283T>C, p.Phe95Leu (NM_001315491.2); short protein forms F95L.
Identifiers: ClinVar variation 2820675 (VCV002820675.13), dbSNP rs1399612102, ClinGen allele CA343349688.